The following is an entry in ClinVar:

NM_004304.5(ALK):c.2632+11dup

Gene: ALK (ALK receptor tyrosine kinase; minus strand). Cytogenetic location: 2p23.2.
Variant type: Duplication.
Coding change: c.2632+11dup on transcript NM_004304.5 (MANE Select); 11 bases into the intron after coding-DNA position 2632, one base duplicated (G; older notation c.2632+11dupG).
Molecular consequence: intron variant.
Genome position (GRCh38, 1-based): chr2:29,232,293, C duplicated on the plus strand (G on the coding strand, the reverse complement: ALK is on the minus strand). VCF-style (leftmost placement, unchanged base first): chr2-29232292-G-GC. GRCh37 (hg19) VCF-style: chr2-29455158-G-GC.
Other names: c.2632+11dupG (NM_004304.4).
Identifiers: ClinVar variation 508073 (VCV000508073.11), dbSNP rs766699720, ClinGen allele CA1594244.

ClinVar aggregate classification (germline): Benign/Likely benign. Review status: criteria provided, multiple submitters, no conflicts (2 of 4 stars). 4 submissions from 4 submitters: Benign (2); Likely benign (2). Last evaluated 2026-01-28.

Conditions:
Neuroblastoma, susceptibility to, 3. Also called: ALK-Related Neuroblastic Tumor Susceptibility. Identifiers: Orphanet 635, MedGen C2751681, MONDO:0013083, OMIM 613014.
Hereditary cancer-predisposing syndrome. Also called: Hereditary Cancer Syndrome; Tumor predisposition; Hereditary neoplastic syndrome; Neoplastic Syndromes, Hereditary. Identifiers: Orphanet 140162, MedGen C0027672, MeSH D009386, MONDO:0015356.

Allele frequency attached by ClinVar (database versions not stated): TOPMed 0.00205; ESP Exome Variant Server 0.00232; 1000 Genomes Project 30x 0.00016; gnomAD exomes 0.00017 and 0.00043; ExAC 0.00051; gnomAD 0.00189 and 0.00205.

Submissions (4):

Labcorp Genetics (formerly Invitae), Labcorp
Classification: Benign for Neuroblastoma, susceptibility to, 3. Last evaluated: 2026-01-28. Review status: criteria provided, single submitter. Criteria: Invitae Variant Classification Sherloc (09022015). Collection method: clinical testing. Allele origin: germline.

Blueprint Genetics
Classification: Likely benign. Last evaluated: 2024-09-13. Review status: criteria provided, single submitter. Criteria: ACMG Guidelines, 2015. Collection method: clinical testing. Allele origin: germline.

Sema4
Classification: Benign for Hereditary cancer-predisposing syndrome. Last evaluated: 2020-03-23. Review status: criteria provided, single submitter. Criteria: Sema4 Curation Guidelines. Collection method: curation. Allele origin: germline.

GeneDx
Classification: Likely benign. Last evaluated: 2017-09-14. Review status: criteria provided, single submitter. Criteria: GeneDx Variant Classification (06012015). Collection method: clinical testing. Allele origin: germline. Affected: yes.
Comment: This variant is considered likely benign or benign based on one or more of the following criteria: it is a conservative change, it occurs at a poorly conserved position in the protein, it is predicted to be benign by multiple in silico algorithms, and/or has population frequency not consistent with disease.